The following is an entry in ClinVar:

ClinVar aggregate classification (germline): Uncertain significance (1 of 4 stars; one submission).

Conditions:
Inborn genetic diseases. Identifiers: MedGen C0950123, MeSH D030342.

Submission:

Ambry Genetics
Classification: Uncertain significance for Inborn genetic diseases. Last evaluated: 2025-04-29. Review status: criteria provided, single submitter. Criteria: Ambry Variant Classification Scheme 2023. Collection method: clinical testing. Allele origin: germline.
Comment: The p.Q281H variant (also known as c.843G>C), located in coding exon 9 of the ASXL1 gene, results from a G to C substitution at nucleotide position 843. The glutamine at codon 281 is replaced by histidine, an amino acid with highly similar properties. This amino acid position is conserved. In addition, the in silico prediction for this alteration is inconclusive. Based on the available evidence, the clinical significance of this variant remains unclear.

NM_015338.6(ASXL1):c.843G>C (p.Gln281His)

Gene: ASXL1 (ASXL transcriptional regulator 1; plus strand). Cytogenetic location: 20q11.21.
Variant type: single nucleotide variant.
Coding change: c.843G>C on transcript NM_015338.6 (MANE Select); coding-DNA position 843, G replaced by C.
Protein change: p.Gln281His; replaces glutamine 281 with histidine.
Molecular consequence: missense variant.
Genome position (GRCh38, 1-based): chr20:32,431,445, G>C. VCF-style: chr20-32431445-G-C. GRCh37 (hg19) VCF-style: chr20-31019248-G-C.
Other names: c.660G>C, p.Gln220His (NM_001363734.1); short protein forms Q220H, Q281H.
Identifiers: ClinVar variation 3956557 (VCV003956557.1).